The following is an entry in ClinVar:

NC_000022.11:g.40345709C>G

Gene: ADSL (adenylosuccinate lyase; plus strand). Cytogenetic location: 22q13.1.
Variant type: single nucleotide variant.
Genome position: GRCh38 VCF-style: chr22-40345709-C-G. GRCh37 (hg19) VCF-style: chr22-40741713-C-G.
Identifiers: ClinVar variation 2098899 (VCV002098899.5), dbSNP rs1170425980, ClinGen allele CA2580099800.
Genomic context (GRCh38, chr22:40,345,709, plus strand): 5'-GAGACGGAGTCTCGCTCTGTCGCCCAGGCTGGAGTGCAGTGGCGCGATCTTGGCTCACTG[C>G]AACCTCCGCCTTCCGGGTTCAAGAAATTCTCCTGTCTCAGCCTCACAAGTAGCTGAGACT-3'

ClinVar aggregate classification (germline): Uncertain significance (1 of 4 stars; one submission).

Conditions:
Adenylosuccinate lyase deficiency (ADSLD). Also called: ADSL DEFICIENCY. Identifiers: Orphanet 46, MedGen C0268126, MONDO:0007068, OMIM 103050.

Submission:

Labcorp Genetics (formerly Invitae), Labcorp
Classification: Uncertain significance for Adenylosuccinate lyase deficiency. Last evaluated: 2022-03-05. Review status: criteria provided, single submitter. Criteria: Invitae Variant Classification Sherloc (09022015). Collection method: clinical testing. Allele origin: germline.
Comment: In summary, the available evidence is currently insufficient to determine the role of this variant in disease. Therefore, it has been classified as a Variant of Uncertain Significance. Experimental studies and prediction algorithms are not available or were not evaluated, and the functional significance of this variant is currently unknown. This variant has not been reported in the literature in individuals affected with ADSL-related conditions. This variant is not present in population databases (gnomAD no frequency). This variant occurs in a non-coding region of the ADSL gene. It does not change the encoded amino acid sequence of the ADSL protein.